The following is an entry in ClinVar:

ClinVar aggregate classification (germline): Uncertain significance. Review status: criteria provided, multiple submitters, no conflicts (2 of 4 stars). 2 submissions from 2 submitters: Uncertain significance (2). Last evaluated 2025-06-22.

Conditions:
Short-rib thoracic dysplasia 10 with or without polydactyly (SRTD10). Identifiers: Orphanet 474, MedGen C3810175, MONDO:0014284, OMIM 615630.
Retinitis pigmentosa 71 (RP71). Identifiers: Orphanet 791, MedGen C4225342, MONDO:0014618, OMIM 616394.

gnomAD v4.1: 6 of 1,614,244 alleles (0.00037%); highest among the groups gnomAD compares: Non-Finnish European, 0.00051%; no homozygotes.

Submissions (2):

Labcorp Genetics (formerly Invitae), Labcorp
Classification: Uncertain significance for Retinitis pigmentosa 71; Short-rib thoracic dysplasia 10 with or without polydactyly. Last evaluated: 2025-06-22. Review status: criteria provided, single submitter. Criteria: Invitae Variant Classification Sherloc (09022015). Collection method: clinical testing. Allele origin: germline.
Comment: This sequence change replaces glutamine, which is neutral and polar, with histidine, which is basic and polar, at codon 1569 of the IFT172 protein (p.Gln1569His). This variant is not present in population databases (gnomAD no frequency). This variant has not been reported in the literature in individuals affected with IFT172-related conditions. Invitae Evidence Modeling of protein sequence and biophysical properties (such as structural, functional, and spatial information, amino acid conservation, physicochemical variation, residue mobility, and thermodynamic stability) indicates that this missense variant is not expected to disrupt IFT172 protein function with a negative predictive value of 95%. In summary, the available evidence is currently insufficient to determine the role of this variant in disease. Therefore, it has been classified as a Variant of Uncertain Significance.

Blueprint Genetics
Classification: Uncertain significance. Last evaluated: 2024-02-21. Review status: criteria provided, single submitter. Criteria: ACMG Guidelines, 2015. Collection method: clinical testing. Allele origin: germline.

NM_015662.3(IFT172):c.4707G>T (p.Gln1569His)

Genes: IFT172 (intraflagellar transport 172; minus strand), KRTCAP3 (keratinocyte associated protein 3; plus strand). Cytogenetic location: 2p23.3.
Variant type: single nucleotide variant.
Coding change: c.4707G>T on transcript NM_015662.3 (MANE Select); coding-DNA position 4707, G replaced by T.
Protein change: p.Gln1569His; replaces glutamine 1569 with histidine.
Molecular consequence: missense variant. On other transcripts: 3 prime UTR variant (1).
Genome position (GRCh38, 1-based): chr2:27,446,308, C>A on the plus strand (G>T on the coding strand, the complement: IFT172 is on the minus strand). VCF-style: chr2-27446308-C-A. GRCh37 (hg19) VCF-style: chr2-27669175-C-A.
Other names: c.*13C>A (NM_001168364.2); c.4641G>T, p.Gln1547His (NM_001410739.1); short protein forms Q1547H, Q1569H.
Identifiers: ClinVar variation 4791331 (VCV004791331.2).
Genomic context (GRCh38, chr2:27,446,308, plus strand): 5'-GTCCCAGCTCACCTTGGCAGCAATGCCTGCTTCATAGAAGGCTTTGTCTACAGGTAGTAG[C>A]TGGGTGTGACGCAAGAGTGAAACAGAAAGCCTGGCAGCCACGGTTTCCTGGGATTAAAGT-3'
Protein context (NP_056477.1, residues 1559-1579): RLSVSLLRHT[Gln1569His]LLPVDKAFYE